The following is an entry in ClinVar:

NM_004006.3(DMD):c.10227del (p.Val3410fs)

Gene: DMD (dystrophin; minus strand). Cytogenetic location: Xp21.2.
Variant type: Deletion.
Coding change: c.10227del on transcript NM_004006.3 (MANE Select); coding-DNA position 10227, one base deleted (C; older notation c.10227delC).
Protein change: p.Val3410fs; shifts the reading frame from valine 3410.
Molecular consequence: frameshift variant. On other transcripts: intron variant (5).
Genome position (GRCh38, 1-based): chrX:31,177,967, G deleted on the plus strand (C on the coding strand, the reverse complement: DMD is on the minus strand); the first of 3 consecutive G bases (chrX:31,177,967-31,177,969); deleting any one gives the same sequence. VCF-style (leftmost placement, unchanged base first): chrX-31177966-CG-C. GRCh37 (hg19) VCF-style: chrX-31196083-CG-C.
Other names: c.10203del, p.Val3402fs (NM_000109.4); c.10215del, p.Val3406fs (NM_004009.3); c.9858del, p.Val3287fs (NM_004010.3); c.6204del, p.Val2069fs (NM_004011.4); c.6195del, p.Val2066fs (NM_004012.4); c.2847del, p.Val950fs (NM_004013.3, NM_004021.3); c.2040del, p.Val681fs (NM_004014.3); c.1023del, p.Val342fs (NM_004015.3, NM_004016.3); and 2 more; short protein forms V2066fs, V2069fs, V3287fs, V342fs, V681fs, V950fs, V3402fs, V3406fs.
Identifiers: ClinVar variation 857756 (VCV000857756.10), dbSNP rs2040714340, ClinGen allele CA916081248.

ClinVar aggregate classification (germline): Pathogenic (1 of 4 stars; one submission).

Conditions:
Duchenne muscular dystrophy (DMD). Also called: Duchenne Muscular Dystrophy (DMD); MUSCULAR DYSTROPHY, PSEUDOHYPERTROPHIC PROGRESSIVE, DUCHENNE TYPE. Identifiers: Orphanet 98896, MedGen C0013264, MONDO:0010679, OMIM 310200.

Submission:

Labcorp Genetics (formerly Invitae), Labcorp
Classification: Pathogenic for Duchenne muscular dystrophy. Last evaluated: 2022-03-19. Review status: criteria provided, single submitter. Criteria: Invitae Variant Classification Sherloc (09022015). Collection method: clinical testing. Allele origin: germline.
Comment: For these reasons, this variant has been classified as Pathogenic. ClinVar contains an entry for this variant (Variation ID: 857756). This premature translational stop signal has been observed in individual(s) with Becker muscular dystrophy (PMID: 30342905). This variant is not present in population databases (gnomAD no frequency). This sequence change creates a premature translational stop signal (p.Val3410Leufs*3) in the DMD gene. It is expected to result in an absent or disrupted protein product. Loss-of-function variants in DMD are known to be pathogenic (PMID: 16770791, 25007885). In addition, truncating variants in exon 71 (p.Pro3409Tyr*22, p.Thr3411Asn*22, and p.Leu3412Argfs*7) that result in partial in-frame exon skipping have been observed in individuals with clinical features of mild Becker muscular dystrophy (PMID: 17041906, 23536893).

Literature cited by the submitters: PubMed 30342905; PubMed 16770791; PubMed 25007885; PubMed 17041906; PubMed 23536893.